The following is an entry in ClinVar:

NM_001048174.2(MUTYH):c.947C>A (p.Pro316His)

Gene: MUTYH (mutY DNA glycosylase; minus strand). Cytogenetic location: 1p34.1.
Variant type: single nucleotide variant.
Coding change: c.947C>A on transcript NM_001048174.2 (MANE Select); coding-DNA position 947, C replaced by A.
Protein change: p.Pro316His; replaces proline 316 with histidine.
Molecular consequence: missense variant. On other transcripts: non-coding transcript variant (7).
Genome position (GRCh38, 1-based): chr1:45,331,816, G>T on the plus strand (C>A on the coding strand, the complement: MUTYH is on the minus strand). VCF-style: chr1-45331816-G-T. GRCh37 (hg19) VCF-style: chr1-45797488-G-T.
Other names: c.947C>A, p.Pro316His (NM_001293195.2, NM_001407070.1, NM_001407072.1 and 6 more transcripts); c.671C>A, p.Pro224His (NM_001293196.2, NM_001407091.1, NM_001293192.2); c.602C>A, p.Pro201His (NM_001350650.2, NM_001350651.2, NM_001407082.1); c.980C>A, p.Pro327His (NM_001407069.1, NM_001293191.2, NM_001407077.1); c.950C>A, p.Pro317His (NM_001407071.1, NM_001048172.2, NM_001407078.1 and 1 more transcripts); c.968C>A, p.Pro323His (NM_001407087.1); c.1022C>A, p.Pro341His (NM_012222.3); c.1031C>A, p.Pro344His (NM_001128425.2); and 5 more; short protein forms P331H, P341H, P288H, P317H, P327H, P201H, P224H, P316H.
Identifiers: ClinVar variation 4112943 (VCV004112943.1).

ClinVar aggregate classification (germline): Uncertain significance (1 of 4 stars; one submission).

Conditions:
Hereditary cancer-predisposing syndrome. Also called: Tumor predisposition; Neoplastic Syndromes, Hereditary; Hereditary neoplastic syndrome; Hereditary Cancer Syndrome. Identifiers: Orphanet 140162, MedGen C0027672, MeSH D009386, MONDO:0015356.

Submission:

Ambry Genetics
Classification: Uncertain significance for Hereditary cancer-predisposing syndrome. Last evaluated: 2025-08-27. Review status: criteria provided, single submitter. Criteria: Ambry Variant Classification Scheme 2023. Collection method: clinical testing. Allele origin: germline.
Comment: The p.P344H variant (also known as c.1031C>A), located in coding exon 12 of the MUTYH gene, results from a C to A substitution at nucleotide position 1031. The proline at codon 344 is replaced by histidine, an amino acid with similar properties. This amino acid position is conserved. In addition, this alteration is predicted to be tolerated by in silico analysis. Based on the available evidence, the clinical significance of this variant remains unclear.